The following is an entry in ClinVar:

ClinVar aggregate classification (germline): Uncertain significance. Review status: criteria provided, multiple submitters, no conflicts (2 of 4 stars). 2 submissions from 2 submitters: Uncertain significance (2). Last evaluated 2022-04-01.

Conditions:
Inborn genetic diseases. Identifiers: MedGen C0950123, MeSH D030342.

gnomAD v4.1: 13 of 1,613,314 alleles (0.00081%); highest among the groups gnomAD compares: Middle Eastern, 0.016%; no homozygotes.

Submissions (2):

CeGaT Center for Human Genetics Tuebingen
Classification: Uncertain significance. Last evaluated: 2022-04-01. Review status: criteria provided, single submitter. Criteria: CeGaT Center For Human Genetics Tuebingen Variant Classification Criteria Version 2. Collection method: clinical testing. Allele origin: germline. Affected: yes. Observed: 1 variant allele.
Comment: DCTN1: PM2, BP4

Ambry Genetics
Classification: Uncertain significance for Inborn genetic diseases. Last evaluated: 2020-10-05. Review status: criteria provided, single submitter. Criteria: Ambry Variant Classification Scheme 2023. Collection method: clinical testing. Allele origin: germline.
Comment: The p.T124I variant (also known as c.371C>T), located in coding exon 4 of the DCTN1 gene, results from a C to T substitution at nucleotide position 371. The threonine at codon 124 is replaced by isoleucine, an amino acid with similar properties. This amino acid position is poorly conserved in available vertebrate species. In addition, this alteration is predicted to be tolerated by in silico analysis. Since supporting evidence is limited at this time, the clinical significance of this alteration remains unclear.

NM_004082.5(DCTN1):c.371C>T (p.Thr124Ile)

Gene: DCTN1 (dynactin subunit 1; minus strand). Cytogenetic location: 2p13.1.
Variant type: single nucleotide variant.
Coding change: c.371C>T on transcript NM_004082.5 (MANE Select); coding-DNA position 371, C replaced by T.
Protein change: p.Thr124Ile; replaces threonine 124 with isoleucine.
Molecular consequence: missense variant. On other transcripts: non-coding transcript variant (1).
Genome position (GRCh38, 1-based): chr2:74,377,454, G>A on the plus strand (C>T on the coding strand, the complement: DCTN1 is on the minus strand). VCF-style: chr2-74377454-G-A. GRCh37 (hg19) VCF-style: chr2-74604581-G-A.
Other names: c.371C>T, p.Thr124Ile (NM_001135040.3, NM_001190837.2); c.320C>T, p.Thr107Ile (NM_001190836.2, NM_001378991.1, NM_001378992.1); short protein forms T107I, T124I.
Identifiers: ClinVar variation 1734270 (VCV001734270.26), dbSNP rs769430160, ClinGen allele CA1722521.